The following is an entry in ClinVar:

NM_199242.3(UNC13D):c.2704C>T (p.Gln902Ter)

Genes: UNC13D (unc-13 homolog D; minus strand), LOC112533672 (Sharpr-MPRA regulatory region 1193; plus strand). Cytogenetic location: 17q25.1.
Variant type: single nucleotide variant.
Coding change: c.2704C>T on transcript NM_199242.3 (MANE Select); coding-DNA position 2704, C replaced by T.
Protein change: p.Gln902Ter; replaces glutamine 902 with a stop codon.
Molecular consequence: nonsense.
Genome position (GRCh38, 1-based): chr17:75,830,583, G>A on the plus strand (C>T on the coding strand, the complement: UNC13D is on the minus strand). VCF-style: chr17-75830583-G-A. GRCh37 (hg19) VCF-style: chr17-73826664-G-A.
Other names: short protein forms Q902*.
Identifiers: ClinVar variation 2131281 (VCV002131281.4), dbSNP rs2545977102, ClinGen allele CA401080519.

ClinVar aggregate classification (germline): Pathogenic (1 of 4 stars; one submission).

Conditions:
Familial hemophagocytic lymphohistiocytosis 3 (FHL3). Also called: UNC13D-Related Familial Hemophagocytic Lymphohistiocytosis (UNC13D-fHLH). Identifiers: Orphanet 540, MedGen C1837174, MONDO:0012146, OMIM 608898.

Submission:

Labcorp Genetics (formerly Invitae), Labcorp
Classification: Pathogenic for Familial hemophagocytic lymphohistiocytosis 3. Last evaluated: 2024-02-24. Review status: criteria provided, single submitter. Criteria: Invitae Variant Classification Sherloc (09022015). Collection method: clinical testing. Allele origin: germline.
Comment: This sequence change creates a premature translational stop signal (p.Gln902*) in the UNC13D gene. It is expected to result in an absent or disrupted protein product. Loss-of-function variants in UNC13D are known to be pathogenic (PMID: 14622600). This variant is not present in population databases (gnomAD no frequency). This variant has not been reported in the literature in individuals affected with UNC13D-related conditions. ClinVar contains an entry for this variant (Variation ID: 2131281). For these reasons, this variant has been classified as Pathogenic.

Literature cited by the submitters: PubMed 14622600.